The following is an entry in ClinVar:

NM_152722.5(HEPACAM):c.292C>T (p.Arg98Cys)

Gene: HEPACAM (hepatic and glial cell adhesion molecule; minus strand). Cytogenetic location: 11q24.2.
Variant type: single nucleotide variant.
Coding change: c.292C>T on transcript NM_152722.5 (MANE Select); coding-DNA position 292, C replaced by T.
Protein change: p.Arg98Cys; replaces arginine 98 with cysteine.
Molecular consequence: missense variant.
Genome position (GRCh38, 1-based): chr11:124,924,863, G>A on the plus strand (C>T on the coding strand, the complement: HEPACAM is on the minus strand). VCF-style: chr11-124924863-G-A. GRCh37 (hg19) VCF-style: chr11-124794759-G-A.
Other names: short protein forms R98C.
Identifiers: ClinVar variation 30918 (VCV000030918.6), dbSNP rs387907052, ClinGen allele CA259946.

ClinVar aggregate classification (germline): Likely pathogenic. Review status: criteria provided, single submitter (1 of 4 stars). 3 submissions from 3 submitters: Likely pathogenic (1). 2 of the submissions do not count toward it. Last evaluated 2025-08-28.

Conditions:
Megalencephalic leukoencephalopathy with subcortical cysts 2A. Identifiers: Orphanet 2478, MedGen C3151355, MONDO:0013490, OMIM 613925.

Allele frequency attached by ClinVar (database versions not stated): gnomAD exomes below 0.00001.
gnomAD v4.1: 1 of 1,614,180 alleles (0.000062%); highest among the groups gnomAD compares: Non-Finnish European, 0.000085%; no homozygotes.

Submissions (3):

GeneDx
Classification: Likely pathogenic. Last evaluated: 2025-08-28. Review status: criteria provided, single submitter. Criteria: GeneDx Variant Classification Process June 2021. Collection method: clinical testing. Allele origin: germline.
Comment: Published functional studies demonstrate a damaging effect: abnormal protein trafficking and reduced ability to homo-oligermize and interact with MLC1 (PMID: 21624973); Not observed at significant frequency in large population cohorts (gnomAD); In silico analysis supports that this missense variant has a deleterious effect on protein structure/function; This variant is associated with the following publications: (PMID: 25044933, 22405205, 31960914, 26986070, 26659599, 21624973, 21419380)

OMIM
Classification: Pathogenic for MEGALENCEPHALIC LEUKOENCEPHALOPATHY WITH SUBCORTICAL CYSTS 2A. Last evaluated: 2011-04-08. Review status: no assertion criteria provided. Collection method: literature only. Allele origin: germline. Not counted in ClinVar's aggregate classification.

GeneReviews
No classification provided. Condition: Megalencephalic leukoencephalopathy with subcortical cysts 2A. Review status: no classification provided. Collection method: literature only. Allele origin: germline. Not counted in ClinVar's aggregate classification.

Literature cited by the submitters: PubMed 21419380 (cited by OMIM and GeneReviews); NCBI Bookshelf NBK1535 (cited by GeneReviews).